The following is an entry in ClinVar:

ClinVar aggregate classification (germline): Benign/Likely benign. Review status: criteria provided, multiple submitters, no conflicts (2 of 4 stars). 2 submissions from 2 submitters: Benign (1); Likely benign (1). Last evaluated 2025-03-07.

Allele frequency attached by ClinVar (database versions not stated): gnomAD exomes 0.00016; ExAC 0.00022; ESP Exome Variant Server 0.00023; TOPMed 0.00023; gnomAD 0.00026.
gnomAD v4.1: 291 of 1,613,632 alleles (0.018%); highest among the groups gnomAD compares: Non-Finnish European, 0.0086%; 1 homozygote.

Submissions (2):

Labcorp Genetics (formerly Invitae), Labcorp
Classification: Benign. Last evaluated: 2025-03-07. Review status: criteria provided, single submitter. Criteria: Invitae Variant Classification Sherloc (09022015). Collection method: clinical testing. Allele origin: germline.

CeGaT Center for Human Genetics Tuebingen
Classification: Likely benign. Last evaluated: 2025-03-01. Review status: criteria provided, single submitter. Criteria: CeGaT Center For Human Genetics Tuebingen Variant Classification Criteria Version 2. Collection method: clinical testing. Allele origin: germline. Affected: yes. Observed: 2 variant alleles.
Comment: CNOT1: BP4, BP7

NM_016284.5(CNOT1):c.3474T>C (p.Asn1158=)

Gene: CNOT1 (CCR4-NOT transcription complex subunit 1; minus strand). Cytogenetic location: 16q21.
Variant type: single nucleotide variant.
Coding change: c.3474T>C on transcript NM_016284.5 (MANE Select); coding-DNA position 3474, T replaced by C.
Protein change: p.Asn1158=; no amino-acid change (asparagine 1158 retained).
Molecular consequence: synonymous variant. On other transcripts: non-coding transcript variant (1).
Genome position (GRCh38, 1-based): chr16:58,549,767, A>G on the plus strand (T>C on the coding strand, the complement: CNOT1 is on the minus strand). VCF-style: chr16-58549767-A-G. GRCh37 (hg19) VCF-style: chr16-58583671-A-G.
Other names: c.3459T>C, p.Asn1153= (NM_001265612.2); c.3474T>C, p.Asn1158= (NM_206999.3).
Identifiers: ClinVar variation 2646578 (VCV002646578.26), dbSNP rs143971282, ClinGen allele CA8089437.